The following is an entry in ClinVar:

NM_001036.6(RYR3):c.10931T>C (p.Met3644Thr)

Gene: RYR3 (ryanodine receptor 3; plus strand). Cytogenetic location: 15q14.
Variant type: single nucleotide variant.
Coding change: c.10931T>C on transcript NM_001036.6 (MANE Select); coding-DNA position 10931, T replaced by C.
Protein change: p.Met3644Thr; replaces methionine 3644 with threonine.
Molecular consequence: missense variant.
Genome position (GRCh38, 1-based): chr15:33,821,538, T>C. VCF-style: chr15-33821538-T-C. GRCh37 (hg19) VCF-style: chr15-34113739-T-C.
Other names: c.10916T>C, p.Met3639Thr (NM_001243996.4); short protein forms M3639T, M3644T.
Identifiers: ClinVar variation 842577 (VCV000842577.9), dbSNP rs781316953, ClinGen allele CA7461053.

ClinVar aggregate classification (germline): Uncertain significance (1 of 4 stars; one submission).

Conditions:
Epileptic encephalopathy. Identifiers: MedGen C0543888, HP:0200134.

Allele frequency attached by ClinVar (database versions not stated): gnomAD exomes 0.00001 and 0.00002; TOPMed 0.00001; ExAC 0.00002.
gnomAD v4.1: 15 of 1,613,912 alleles (0.00093%); highest among the groups gnomAD compares: East Asian, 0.0022%; no homozygotes.

Submission:

Labcorp Genetics (formerly Invitae), Labcorp
Classification: Uncertain significance for Epileptic encephalopathy. Last evaluated: 2019-12-01. Review status: criteria provided, single submitter. Criteria: Invitae Variant Classification Sherloc (09022015). Collection method: clinical testing. Allele origin: germline.
Comment: This variant has not been reported in the literature in individuals with RYR3-related conditions. Algorithms developed to predict the effect of missense changes on protein structure and function are either unavailable or do not agree on the potential impact of this missense change (SIFT: "Deleterious"; PolyPhen-2: "Benign"; Align-GVGD: "Class C0"). In summary, the available evidence is currently insufficient to determine the role of this variant in disease. Therefore, it has been classified as a Variant of Uncertain Significance. This variant is present in population databases (rs781316953, ExAC 0.003%). This sequence change replaces methionine with threonine at codon 3644 of the RYR3 protein (p.Met3644Thr). The methionine residue is highly conserved and there is a moderate physicochemical difference between methionine and threonine.